The following is an entry in ClinVar:

ClinVar aggregate classification (germline): Uncertain significance. Review status: criteria provided, multiple submitters, no conflicts (2 of 4 stars). 8 submissions from 7 submitters: Uncertain significance (7). 1 of the submissions does not count toward it. Last evaluated 2026-01-19.

Conditions:
TRIM32-related disorder. Also called: TRIM32-related condition.
Bardet-Biedl syndrome (BBS). Identifiers: Orphanet 110, MedGen C0752166, MONDO:0015229.
Inborn genetic diseases. Identifiers: MedGen C0950123, MeSH D030342.
Sarcotubular myopathy (LGMDR8). Also called: MUSCULAR DYSTROPHY, LIMB-GIRDLE, AUTOSOMAL RECESSIVE 8; Autosomal recessive limb-girdle muscular dystrophy type 2H; Limb-girdle muscular dystrophy, type 2H; Hutterite type of muscular dystrophy. Identifiers: Orphanet 1878, MedGen C0270968, MONDO:0009683, OMIM 254110.
Bardet-Biedl syndrome 11 (BBS11). Identifiers: Orphanet 110, MedGen C1859569, MONDO:0014439, OMIM 615988.

Allele frequency attached by ClinVar (database versions not stated): TOPMed 0.00003.
gnomAD v4.1: 61 of 1,613,754 alleles (0.0038%); highest among the groups gnomAD compares: Admixed American, 0.033%; no homozygotes.

Submissions (8):

Labcorp Genetics (formerly Invitae), Labcorp
Classification: Uncertain significance for Bardet-Biedl syndrome. Last evaluated: 2026-01-19. Review status: criteria provided, single submitter. Criteria: Invitae Variant Classification Sherloc (09022015). Collection method: clinical testing. Allele origin: germline.
Comment: This sequence change replaces arginine, which is basic and polar, with tryptophan, which is neutral and slightly polar, at codon 271 of the TRIM32 protein (p.Arg271Trp). This variant is present in population databases (rs372298402, gnomAD 0.03%). This variant has not been reported in the literature in individuals affected with TRIM32-related conditions. ClinVar contains an entry for this variant (Variation ID: 378760). An algorithm developed to predict the effect of missense changes on protein structure and function (PolyPhen-2) suggests that this variant is likely to be tolerated. In summary, the available evidence is currently insufficient to determine the role of this variant in disease. Therefore, it has been classified as a Variant of Uncertain Significance.

GeneDx
Classification: Uncertain significance. Last evaluated: 2025-08-09. Review status: criteria provided, single submitter. Criteria: GeneDx Variant Classification Process June 2021. Collection method: clinical testing. Allele origin: germline. Affected: yes.
Comment: In silico analysis suggests that this missense variant does not alter protein structure/function; Has not been previously published as pathogenic or benign to our knowledge

Fulgent Genetics
Classification: Uncertain significance for Sarcotubular myopathy; Bardet-Biedl syndrome 11. Last evaluated: 2024-01-10. Review status: criteria provided, single submitter. Criteria: ACMG Guidelines, 2015. Collection method: clinical testing. Allele origin: germline.

CeGaT Center for Human Genetics Tuebingen
Classification: Uncertain significance. Last evaluated: 2023-01-01. Review status: criteria provided, single submitter. Criteria: CeGaT Center For Human Genetics Tuebingen Variant Classification Criteria Version 2. Collection method: clinical testing. Allele origin: germline. Affected: yes. Observed: 1 variant allele.
Comment: TRIM32: PM2

Ambry Genetics
Classification: Uncertain significance for Inborn genetic diseases. Last evaluated: 2021-10-06. Review status: criteria provided, single submitter. Criteria: Ambry Variant Classification Scheme 2023. Collection method: clinical testing. Allele origin: germline.

Illumina Laboratory Services, Illumina
Classification: Uncertain significance for Sarcotubular myopathy. Last evaluated: 2017-04-27. Review status: criteria provided, single submitter. Criteria: ICSL Variant Classification Criteria 13 December 2019. Collection method: clinical testing. Allele origin: germline.

Illumina Laboratory Services, Illumina
Classification: Uncertain significance for Bardet-Biedl syndrome 11. Last evaluated: 2017-04-27. Review status: criteria provided, single submitter. Criteria: ICSL Variant Classification Criteria 13 December 2019. Collection method: clinical testing. Allele origin: germline.

PreventionGenetics, part of Exact Sciences
Classification: Uncertain significance for TRIM32-related condition. Last evaluated: 2023-11-21. Review status: no assertion criteria provided. Collection method: clinical testing. Allele origin: germline. Not counted in ClinVar's aggregate classification.
Comment: The TRIM32 c.811C>T variant is predicted to result in the amino acid substitution p.Arg271Trp. To our knowledge, this variant has not been reported in the literature. This variant is reported in 0.042% of alleles in individuals of Latino descent in gnomAD. At this time, the clinical significance of this variant is uncertain due to the absence of conclusive functional and genetic evidence.

NM_012210.4(TRIM32):c.811C>T (p.Arg271Trp)

Genes: ASTN2 (astrotactin 2; minus strand), TRIM32 (tripartite motif containing 32; plus strand). Cytogenetic location: 9q33.1.
Variant type: single nucleotide variant.
Coding change: c.811C>T on transcript NM_012210.4 (MANE Select); coding-DNA position 811, C replaced by T.
Protein change: p.Arg271Trp; replaces arginine 271 with tryptophan.
Molecular consequence: missense variant. On other transcripts: intron variant (3).
Genome position (GRCh38, 1-based): chr9:116,698,553, C>T. VCF-style: chr9-116698553-C-T. GRCh37 (hg19) VCF-style: chr9-119460832-C-T.
Other names: c.811C>T, p.Arg271Trp (NM_001099679.2, NM_001379048.1, NM_001379049.1 and 1 more transcripts); c.2653+27218G>A (NM_014010.5); c.2794+27218G>A (NM_001365069.1); c.2806+27218G>A (NM_001365068.1); short protein forms R271W.
Identifiers: ClinVar variation 378760 (VCV000378760.40), dbSNP rs372298402, ClinGen allele CA5211049.